The following is an entry in ClinVar:

ClinVar aggregate classification (germline): Uncertain significance (1 of 4 stars; one submission).

Conditions:
Very long chain acyl-CoA dehydrogenase deficiency (ACADVLD). Also called: Very Long-Chain Acyl-Coenzyme A Dehydrogenase Deficiency; VLCAD Deficiency. Identifiers: Orphanet 26793, MedGen C3887523, MONDO:0008723, OMIM 201475.

Allele frequency attached by ClinVar (database versions not stated): gnomAD exomes below 0.00001; TOPMed 0.00001.
gnomAD v4.1: 2 of 1,613,980 alleles (0.00012%); highest among the groups gnomAD compares: African/African-American, 0.0013%; no homozygotes.

Submission:

Labcorp Genetics (formerly Invitae), Labcorp
Classification: Uncertain significance for Very long chain acyl-CoA dehydrogenase deficiency. Last evaluated: 2022-03-28. Review status: criteria provided, single submitter. Criteria: Invitae Variant Classification Sherloc (09022015). Collection method: clinical testing. Allele origin: germline.
Comment: This sequence change replaces alanine, which is neutral and non-polar, with proline, which is neutral and non-polar, at codon 196 of the ACADVL protein (p.Ala196Pro). This variant is present in population databases (no rsID available, gnomAD 0.0009%). This variant has not been reported in the literature in individuals affected with ACADVL-related conditions. Algorithms developed to predict the effect of missense changes on protein structure and function are either unavailable or do not agree on the potential impact of this missense change (SIFT: "Deleterious"; PolyPhen-2: "Possibly Damaging"; Align-GVGD: "Class C0"). In summary, the available evidence is currently insufficient to determine the role of this variant in disease. Therefore, it has been classified as a Variant of Uncertain Significance.

NM_000018.4(ACADVL):c.586G>C (p.Ala196Pro)

Gene: ACADVL (acyl-CoA dehydrogenase very long chain; plus strand). Cytogenetic location: 17p13.1.
Variant type: single nucleotide variant.
Coding change: c.586G>C on transcript NM_000018.4 (MANE Select); coding-DNA position 586, G replaced by C.
Protein change: p.Ala196Pro; replaces alanine 196 with proline.
Molecular consequence: missense variant.
Genome position (GRCh38, 1-based): chr17:7,221,646, G>C. VCF-style: chr17-7221646-G-C. GRCh37 (hg19) VCF-style: chr17-7124965-G-C.
Other names: c.520G>C, p.Ala174Pro (NM_001033859.3); c.655G>C, p.Ala219Pro (NM_001270447.2); c.358G>C, p.Ala120Pro (NM_001270448.2); short protein forms A174P, A120P, A196P, A219P.
Identifiers: ClinVar variation 2077648 (VCV002077648.1), dbSNP rs1469588148, ClinGen allele CA397723218.